The following is an entry in ClinVar:

ClinVar aggregate classification (germline): Likely pathogenic (1 of 4 stars; one submission).

Conditions:
Epilepsy, childhood absence, susceptibility to, 5. Identifiers: Orphanet 64280, MedGen C2677087, MONDO:0012843, OMIM 612269.
Epilepsy, childhood absence, susceptibility to, 1. Also called: Epilepsy, childhood absence 1. Identifiers: Orphanet 64280, MedGen C1838604, MONDO:0020759, OMIM 600131.

Submission:

Labcorp Genetics (formerly Invitae), Labcorp
Classification: Likely pathogenic for Epilepsy, childhood absence, susceptibility to, 5; Epilepsy, childhood absence, susceptibility to, 1. Last evaluated: 2021-12-03. Review status: criteria provided, single submitter. Criteria: Invitae Variant Classification Sherloc (09022015). Collection method: clinical testing. Allele origin: germline.
Comment: Algorithms developed to predict the effect of sequence changes on RNA splicing suggest that this variant may disrupt the consensus splice site. This variant has not been reported in the literature in individuals affected with GABRB3-related conditions. This variant is not present in population databases (gnomAD no frequency). This sequence change affects an acceptor splice site in intron 3 of the GABRB3 gene. It is expected to disrupt RNA splicing. Variants that disrupt the donor or acceptor splice site typically lead to a loss of protein function (PMID: 16199547), and loss-of-function variants in GABRB3 are known to be pathogenic (PMID: 26950270, 28053010). In summary, the currently available evidence indicates that the variant is pathogenic, but additional data are needed to prove that conclusively. Therefore, this variant has been classified as Likely Pathogenic.

Literature cited by the submitters: PubMed 16199547; PubMed 26950270; PubMed 28053010.

NM_000814.6(GABRB3):c.241-1G>A

Gene: GABRB3 (gamma-aminobutyric acid type A receptor subunit beta3; minus strand). Cytogenetic location: 15q12.
Variant type: single nucleotide variant.
Coding change: c.241-1G>A on transcript NM_000814.6 (MANE Select); the canonical splice acceptor site of the intron before coding-DNA position 241, G replaced by A.
Molecular consequence: splice acceptor variant.
Genome position (GRCh38, 1-based): chr15:26,621,535, C>T on the plus strand (G>A on the coding strand, the complement: GABRB3 is on the minus strand). VCF-style: chr15-26621535-C-T. GRCh37 (hg19) VCF-style: chr15-26866682-C-T.
Other names: c.241-1G>A (NM_021912.5); c.-15-1G>A (NM_001278631.2, NM_001191320.2); c.28-1G>A (NM_001191321.3).
Identifiers: ClinVar variation 1975607 (VCV001975607.5), dbSNP rs2504330272, ClinGen allele CA391461923.